The following is an entry in ClinVar:

ClinVar aggregate classification (germline): Uncertain significance. Review status: criteria provided, multiple submitters, no conflicts (2 of 4 stars). 4 submissions from 4 submitters: Uncertain significance (4). Last evaluated 2025-10-02.

Conditions:
Inborn genetic diseases. Identifiers: MedGen C0950123, MeSH D030342.
Charcot-Marie-Tooth disease axonal type 2P. Also called: CHARCOT-MARIE-TOOTH NEUROPATHY, TYPE 2P; Charcot-Marie-Tooth Neuropathy Type 2G; CHARCOT-MARIE-TOOTH DISEASE, AXONAL, TYPE 2G; CMT 2G. Identifiers: Orphanet 300319, Orphanet 99941, MedGen C3280797, MONDO:0013753, OMIM 614436.

Allele frequency attached by ClinVar (database versions not stated): gnomAD 0.00005 and 0.00006; TOPMed 0.00005; ExAC 0.00029.
gnomAD v4.1: 89 of 1,604,852 alleles (0.0055%); highest among the groups gnomAD compares: Non-Finnish European, 0.0055%; no homozygotes.

Submissions (4):

Labcorp Genetics (formerly Invitae), Labcorp
Classification: Uncertain significance for Charcot-Marie-Tooth disease axonal type 2P. Last evaluated: 2025-10-02. Review status: criteria provided, single submitter. Criteria: Invitae Variant Classification Sherloc (09022015). Collection method: clinical testing. Allele origin: germline.
Comment: This sequence change falls in intron 18 of the LRSAM1 gene. It does not directly change the encoded amino acid sequence of the LRSAM1 protein. It affects a nucleotide within the consensus splice site. This variant is present in population databases (rs745690669, gnomAD 0.02%). This variant has not been reported in the literature in individuals affected with LRSAM1-related conditions. ClinVar contains an entry for this variant (Variation ID: 472791). Variants that disrupt the consensus splice site are a relatively common cause of aberrant splicing (PMID: 17576681, 9536098). Algorithms developed to predict the effect of sequence changes on RNA splicing suggest that this variant is not likely to affect RNA splicing. In summary, the available evidence is currently insufficient to determine the role of this variant in disease. Therefore, it has been classified as a Variant of Uncertain Significance.

ARUP Laboratories, Molecular Genetics and Genomics, ARUP Laboratories
Classification: Uncertain significance for Charcot-Marie-Tooth disease axonal type 2P. Last evaluated: 2025-03-13. Review status: criteria provided, single submitter. Criteria: ARUP Molecular Germline Variant Investigation Process 2024. Collection method: clinical testing. Allele origin: germline.
Comment: The LRSAM1 c.1422+6C>T variant (rs745690669), to our knowledge, is not reported in the medical literature but is reported in ClinVar (Variation ID: 472791). This variant is found in the non-Finnish European population with an allele frequency of 0.024% (29/119,600 alleles) in the Genome Aggregation Database (v2.1.1). This is an intronic variant in a weakly conserved nucleotide, and computational analyses (Alamut Visual Plus v.1.12) predict that this variant does not alter splicing. However, given the lack of clinical and functional data, the significance of this variant is uncertain at this time.

Ambry Genetics
Classification: Uncertain significance for Inborn genetic diseases. Last evaluated: 2023-06-07. Review status: criteria provided, single submitter. Criteria: Ambry Variant Classification Scheme 2023. Collection method: clinical testing. Allele origin: germline.
Comment: Unlikely to be causative of LRSAM1-related Charcot-Marie-Tooth disease, type 2 (AD) Based on insufficient or conflicting evidence, the clinical significance of this alteration remains unclear.

CeGaT Center for Human Genetics Tuebingen
Classification: Uncertain significance. Last evaluated: 2021-04-01. Review status: criteria provided, single submitter. Criteria: CeGaT Center For Human Genetics Tuebingen Variant Classification Criteria Version 2. Collection method: clinical testing. Allele origin: germline. Affected: yes. Observed: 1 variant allele.

Literature cited by the submitters: PubMed 17576681 (cited by Labcorp Genetics (formerly Invitae), Labcorp); PubMed 9536098 (cited by Labcorp Genetics (formerly Invitae), Labcorp).

NM_001005373.4(LRSAM1):c.1422+6C>T

Gene: LRSAM1 (leucine rich repeat and sterile alpha motif containing 1; plus strand). Cytogenetic location: 9q33.3.
Variant type: single nucleotide variant.
Coding change: c.1422+6C>T on transcript NM_001005373.4 (MANE Select); 6 bases into the intron after coding-DNA position 1422, C replaced by T.
Molecular consequence: intron variant.
Genome position (GRCh38, 1-based): chr9:127,489,524, C>T. VCF-style: chr9-127489524-C-T. GRCh37 (hg19) VCF-style: chr9-130251803-C-T.
Other names: c.1422+6C>T (NM_138361.5, NM_001384142.1, NM_001384143.1 and 3 more transcripts); c.633+6C>T (NM_001384144.1).
Identifiers: ClinVar variation 472791 (VCV000472791.45), dbSNP rs745690669, ClinGen allele CA5246976.